The following is an entry in ClinVar:

NM_001184.4(ATR):c.3692C>T (p.Ala1231Val)

Gene: ATR (ATR checkpoint kinase; minus strand). Cytogenetic location: 3q23.
Variant type: single nucleotide variant.
Coding change: c.3692C>T on transcript NM_001184.4 (MANE Select); coding-DNA position 3692, C replaced by T.
Protein change: p.Ala1231Val; replaces alanine 1231 with valine.
Molecular consequence: missense variant.
Genome position (GRCh38, 1-based): chr3:142,538,515, G>A on the plus strand (C>T on the coding strand, the complement: ATR is on the minus strand). VCF-style: chr3-142538515-G-A. GRCh37 (hg19) VCF-style: chr3-142257357-G-A.
Other names: c.3500C>T, p.Ala1167Val (NM_001354579.2); short protein forms A1167V, A1231V.
Identifiers: ClinVar variation 1733976 (VCV001733976.7), dbSNP rs1304683324, ClinGen allele CA354807431.
Genomic context (GRCh38, chr3:142,538,515, plus strand): 5'-TTTTACTATTAATTTCAGTTACAATACCTGTTTTCAATTATGAGGTAGTGGAAGATAGCT[G>A]CAGTTTCTTTAGGCTGGATGTGTATAAGAGGTAACAAAGCTACTATTACATGACTGAGAA-3'
Protein context (NP_001175.2, residues 1221-1241): PLIHIQPKET[Ala1231Val]AIFHYLIIEN

ClinVar aggregate classification (germline): Uncertain significance. Review status: criteria provided, multiple submitters, no conflicts (2 of 4 stars). 2 submissions from 2 submitters: Uncertain significance (2). Last evaluated 2024-08-31.

Conditions:
Inborn genetic diseases. Identifiers: MedGen C0950123, MeSH D030342.

Allele frequency attached by ClinVar (database versions not stated): TOPMed below 0.00001.

Submissions (2):

Labcorp Genetics (formerly Invitae), Labcorp
Classification: Uncertain significance. Last evaluated: 2024-08-31. Review status: criteria provided, single submitter. Criteria: Invitae Variant Classification Sherloc (09022015). Collection method: clinical testing. Allele origin: germline.
Comment: This sequence change replaces alanine, which is neutral and non-polar, with valine, which is neutral and non-polar, at codon 1231 of the ATR protein (p.Ala1231Val). This variant is not present in population databases (gnomAD no frequency). This variant has not been reported in the literature in individuals affected with ATR-related conditions. ClinVar contains an entry for this variant (Variation ID: 1733976). An algorithm developed to predict the effect of missense changes on protein structure and function (PolyPhen-2) suggests that this variant is likely to be tolerated. In summary, the available evidence is currently insufficient to determine the role of this variant in disease. Therefore, it has been classified as a Variant of Uncertain Significance.

Ambry Genetics
Classification: Uncertain significance for Inborn genetic diseases. Last evaluated: 2022-09-26. Review status: criteria provided, single submitter. Criteria: Ambry Variant Classification Scheme 2023. Collection method: clinical testing. Allele origin: germline.
Comment: The p.A1231V variant (also known as c.3692C>T), located in coding exon 19 of the ATR gene, results from a C to T substitution at nucleotide position 3692. The alanine at codon 1231 is replaced by valine, an amino acid with similar properties. This amino acid position is conserved. In addition, this alteration is predicted to be tolerated by in silico analysis. Since supporting evidence is limited at this time, the clinical significance of this alteration remains unclear.